The following is an entry in ClinVar:

ClinVar aggregate classification (germline): Uncertain significance (1 of 4 stars; one submission).

Submission:

Labcorp Genetics (formerly Invitae), Labcorp
Classification: Uncertain significance. Last evaluated: 2025-10-29. Review status: criteria provided, single submitter. Criteria: Invitae Variant Classification Sherloc (09022015). Collection method: clinical testing. Allele origin: germline.
Comment: This sequence change replaces serine, which is neutral and polar, with asparagine, which is neutral and polar, at codon 762 of the ABCC2 protein (p.Ser762Asn). This variant is not present in population databases (gnomAD no frequency). This variant has not been reported in the literature in individuals affected with ABCC2-related conditions. Invitae Evidence Modeling of protein sequence and biophysical properties (such as structural, functional, and spatial information, amino acid conservation, physicochemical variation, residue mobility, and thermodynamic stability) indicates that this missense variant is expected to disrupt ABCC2 protein function with a positive predictive value of 80%. In summary, the available evidence is currently insufficient to determine the role of this variant in disease. Therefore, it has been classified as a Variant of Uncertain Significance.

NM_000392.5(ABCC2):c.2285G>A (p.Ser762Asn)

Gene: ABCC2 (ATP binding cassette subfamily C member 2; plus strand). Cytogenetic location: 10q24.2.
Variant type: single nucleotide variant.
Coding change: c.2285G>A on transcript NM_000392.5 (MANE Select); coding-DNA position 2285, G replaced by A.
Protein change: p.Ser762Asn; replaces serine 762 with asparagine.
Molecular consequence: missense variant.
Genome position (GRCh38, 1-based): chr10:99,818,803, G>A. VCF-style: chr10-99818803-G-A. GRCh37 (hg19) VCF-style: chr10-101578560-G-A.
Other names: short protein forms S762N.
Identifiers: ClinVar variation 4741944 (VCV004741944.1).
Genomic context (GRCh38, chr10:99,818,803, plus strand): 5'-GGTGGATCTAGGGAGTAGTGCTTAATATGAATTATTTTCTTCTTCAGGGTATAAATCTTA[G>A]TGGGGGTCAGAAGCAGCGGATCAGCCTGGCCAGAGCTACCTACCAAAATTTAGACATCTA-3'
Protein context (NP_000383.2, residues 752-772): AEIGEKGINL[Ser762Asn]GGQKQRISLA